The following is an entry in ClinVar:

ClinVar aggregate classification (germline): Uncertain significance (1 of 4 stars; one submission).

Conditions:
Nephrotic syndrome, type 2 (NPHS2). Also called: NEPHROTIC SYNDROME, STEROID-RESISTANT, AUTOSOMAL RECESSIVE. Identifiers: Orphanet 656, MedGen C1868672, MONDO:0010974, OMIM 600995.

Submission:

3billion
Classification: Uncertain significance for Nephrotic syndrome, type 2. Last evaluated: 2022-05-22. Review status: criteria provided, single submitter. Criteria: ACMG Guidelines, 2015. Collection method: clinical testing. Allele origin: germline. Affected: yes. Observed: 1 heterozygote.
Comment: The variant is not observed in the gnomAD v2.1.1 dataset. In silico tool predictions suggest damaging effect of the variant on gene or gene product (REVEL: 0.86; 3Cnet: 0.87). A different missense change at the same codon (p.Pro118Leu) has been reported to be associated with NPHS2 related disorder (ClinVar ID: VCV000222762 / PMID: 15253708). However the evidence of pathogenicity is insufficient at this time. Therefore, this variant is classified as uncertain significanceaccording to the recommendation of ACMG/AMP guideline.

Literature cited by the submitters: PubMed 15253708.

NM_014625.4(NPHS2):c.352C>T (p.Pro118Ser)

Gene: NPHS2 (NPHS2 stomatin family member, podocin; minus strand). Cytogenetic location: 1q25.2.
Variant type: single nucleotide variant.
Coding change: c.352C>T on transcript NM_014625.4 (MANE Select); coding-DNA position 352, C replaced by T.
Protein change: p.Pro118Ser; replaces proline 118 with serine.
Molecular consequence: missense variant.
Genome position (GRCh38, 1-based): chr1:179,564,716, G>A on the plus strand (C>T on the coding strand, the complement: NPHS2 is on the minus strand). VCF-style: chr1-179564716-G-A. GRCh37 (hg19) VCF-style: chr1-179533851-G-A.
Other names: c.352C>T, p.Pro118Ser (NM_001297575.2); short protein forms P118S.
Identifiers: ClinVar variation 1687452 (VCV001687452.1), dbSNP rs2125790124, ClinGen allele CA343570861.